The following is an entry in ClinVar:

NM_016360.4(TACO1):c.281-45A>C

Gene: TACO1 (translational activator of cytochrome c oxidase I; plus strand). Cytogenetic location: 17q23.3.
Variant type: single nucleotide variant.
Coding change: c.281-45A>C on transcript NM_016360.4 (MANE Select); 45 bases into the intron before coding-DNA position 281, A replaced by C.
Molecular consequence: intron variant.
Genome position (GRCh38, 1-based): chr17:63,604,489, A>C. VCF-style: chr17-63604489-A-C. GRCh37 (hg19) VCF-style: chr17-61681849-A-C.
Identifiers: ClinVar variation 673706 (VCV000673706.2), dbSNP rs73333828, ClinGen allele CA8702078.

ClinVar aggregate classification (germline): Benign. Review status: criteria provided, multiple submitters, no conflicts (2 of 4 stars). 2 submissions from 2 submitters: Benign (2). Last evaluated 2018-06-16.

Allele frequency attached by ClinVar (database versions not stated): gnomAD exomes 0.00297 and 0.00820; ExAC 0.01027; gnomAD 0.03220 and 0.03464; 1000 Genomes Project 0.03315; 1000 Genomes Project 30x 0.03670; TOPMed 0.03690; ESP Exome Variant Server 0.03691.

Submissions (2):

GeneDx
Classification: Benign. Last evaluated: 2018-06-16. Review status: criteria provided, single submitter. Criteria: GeneDx Variant Classification (06012015). Collection method: clinical testing. Allele origin: germline. Affected: yes.
Comment: This variant is considered likely benign or benign based on one or more of the following criteria: it is a conservative change, it occurs at a poorly conserved position in the protein, it is predicted to be benign by multiple in silico algorithms, and/or has population frequency not consistent with disease.

Breakthrough Genomics
Classification: Benign. Review status: criteria provided, single submitter. Criteria: ACMG Guidelines, 2015. Collection method: not provided. Allele origin: germline. Inheritance: Autosomal recessive inheritance. Affected: yes.